The following is an entry in ClinVar:

ClinVar aggregate classification (germline): Uncertain significance (1 of 4 stars; one submission).

Conditions:
Ullrich congenital muscular dystrophy 2 (UCMD2). Identifiers: Orphanet 75840, MedGen C4225314, MONDO:0014654, OMIM 616470.
Bethlem myopathy 2 (BTHLM2). Identifiers: Orphanet 536516, Orphanet 610, MedGen C4225313, MONDO:0034022, OMIM 616471.

gnomAD v4.1: 1 of 1,614,246 alleles (0.000062%); highest among the groups gnomAD compares: Non-Finnish European, 0.000085%; no homozygotes.

Submission:

Labcorp Genetics (formerly Invitae), Labcorp
Classification: Uncertain significance for Bethlem myopathy 2; Ullrich congenital muscular dystrophy 2. Last evaluated: 2024-03-07. Review status: criteria provided, single submitter. Criteria: Invitae Variant Classification Sherloc (09022015). Collection method: clinical testing. Allele origin: germline.
Comment: This sequence change replaces isoleucine, which is neutral and non-polar, with valine, which is neutral and non-polar, at codon 507 of the COL12A1 protein (p.Ile507Val). This variant is not present in population databases (gnomAD no frequency). This variant has not been reported in the literature in individuals affected with COL12A1-related conditions. Advanced modeling of protein sequence and biophysical properties (such as structural, functional, and spatial information, amino acid conservation, physicochemical variation, residue mobility, and thermodynamic stability) performed at Invitae indicates that this missense variant is not expected to disrupt COL12A1 protein function with a negative predictive value of 80%. In summary, the available evidence is currently insufficient to determine the role of this variant in disease. Therefore, it has been classified as a Variant of Uncertain Significance.

NM_004370.6(COL12A1):c.1519A>G (p.Ile507Val)

Gene: COL12A1 (collagen type XII alpha 1 chain; minus strand). Cytogenetic location: 6q13.
Variant type: single nucleotide variant.
Coding change: c.1519A>G on transcript NM_004370.6 (MANE Select); coding-DNA position 1519, A replaced by G.
Protein change: p.Ile507Val; replaces isoleucine 507 with valine.
Molecular consequence: missense variant. On other transcripts: intron variant (2).
Genome position (GRCh38, 1-based): chr6:75,183,422, T>C on the plus strand (A>G on the coding strand, the complement: COL12A1 is on the minus strand). VCF-style: chr6-75183422-T-C. GRCh37 (hg19) VCF-style: chr6-75893138-T-C.
Other names: c.1519A>G, p.Ile507Val (NM_001424113.1, NM_001424114.1, NM_001424115.1); c.73+19298A>G (NM_001424116.1, NM_080645.3); short protein forms I507V.
Identifiers: ClinVar variation 2949584 (VCV002949584.3), dbSNP rs2533567318, ClinGen allele CA364769813.